The following is an entry in ClinVar:

NM_000186.4(CFH):c.292C>T (p.Leu98Phe)

Gene: CFH (complement factor H; plus strand). Cytogenetic location: 1q31.3.
Variant type: single nucleotide variant.
Coding change: c.292C>T on transcript NM_000186.4 (MANE Select); coding-DNA position 292, C replaced by T.
Protein change: p.Leu98Phe; replaces leucine 98 with phenylalanine.
Molecular consequence: missense variant.
Genome position (GRCh38, 1-based): chr1:196,673,904, C>T. VCF-style: chr1-196673904-C-T. GRCh37 (hg19) VCF-style: chr1-196643034-C-T.
Other names: c.292C>T, p.Leu98Phe (NM_001014975.3); short protein forms L98F.
Identifiers: ClinVar variation 3704361 (VCV003704361.4).

ClinVar aggregate classification (germline): Uncertain significance. Review status: criteria provided, multiple submitters, no conflicts (2 of 4 stars). 2 submissions from 2 submitters: Uncertain significance (2). Last evaluated 2026-09-17.

Conditions:
Atypical hemolytic-uremic syndrome. Identifiers: Orphanet 2134, MedGen C2931788, MONDO:0016244.

Submissions (2):

Genomenon, Inc
Classification: Uncertain significance for Atypical hemolytic-uremic syndrome. Last evaluated: 2026-09-17. Review status: criteria provided, single submitter. Criteria: Genomenon Sequence Variant Interpretation Standards - Updated. Collection method: curation. Allele origin: germline. Affected: yes.
Comment: CFH p.Leu98Phe (c.292C>T) is a missense variant that changes the amino acid at codon 98 from leucine to phenylalanine. This variant has been observed in at least one proband affected with atypical hemolytic-uremic syndrome (PMID: 28941939; 31694864). Functional studies have been reported (PMID: 28941939). It is absent or not present at a significant frequency in gnomAD. In conclusion, we classify CFH p.Leu98Phe (c.292C>T) as a variant of uncertain significance.

Labcorp Genetics (formerly Invitae), Labcorp
Classification: Uncertain significance. Last evaluated: 2024-11-19. Review status: criteria provided, single submitter. Criteria: Invitae Variant Classification Sherloc (09022015). Collection method: clinical testing. Allele origin: germline.
Comment: This sequence change replaces leucine, which is neutral and non-polar, with phenylalanine, which is neutral and non-polar, at codon 98 of the CFH protein (p.Leu98Phe). This variant is not present in population databases (gnomAD no frequency). This missense change has been observed in individual(s) with hemolytic uremic syndrome (PMID: 28941939). An algorithm developed to predict the effect of missense changes on protein structure and function (PolyPhen-2) suggests that this variant is likely to be disruptive. Studies have shown that this missense change alters CFH gene expression (PMID: 28941939). In summary, the available evidence is currently insufficient to determine the role of this variant in disease. Therefore, it has been classified as a Variant of Uncertain Significance.

Literature cited by the submitters: PubMed 28941939 (cited by Genomenon, Inc and Labcorp Genetics (formerly Invitae), Labcorp); PubMed 31694864 (cited by Genomenon, Inc).